The following is an entry in ClinVar:

ClinVar aggregate classification (germline): Likely pathogenic (1 of 4 stars; one submission).

Conditions:
Autosomal recessive limb-girdle muscular dystrophy type 2J (LGMDR10). Also called: Limb-girdle muscular dystrophy, type 2J; MUSCULAR DYSTROPHY, LIMB-GIRDLE, AUTOSOMAL RECESSIVE 10. Identifiers: Orphanet 140922, MedGen C1837342, MONDO:0012127, OMIM 608807.
Dilated cardiomyopathy 1G (CMD1G). Identifiers: Orphanet 154, MedGen C1858763, MONDO:0011400, OMIM 604145.

Submission:

Labcorp Genetics (formerly Invitae), Labcorp
Classification: Likely pathogenic for Dilated cardiomyopathy 1G; Autosomal recessive limb-girdle muscular dystrophy type 2J. Last evaluated: 2025-09-14. Review status: criteria provided, single submitter. Criteria: Invitae Variant Classification Sherloc (09022015). Collection method: clinical testing. Allele origin: germline.
Comment: This sequence change creates a premature translational stop signal (p.Thr33059Lysfs*2) in the TTN gene. While this is not anticipated to result in nonsense mediated decay, it is expected to create a truncated TTN protein. This variant is not present in population databases (gnomAD no frequency). This variant has not been reported in the literature in individuals affected with TTN-related conditions. This variant is located in the A band of TTN (PMID: 25589632). Truncating variants in this region are significantly overrepresented in patients affected with dilated cardiomyopathy (PMID: 25589632). Truncating variants in this region have also been reported in individuals affected with autosomal recessive centronuclear myopathy (PMID: 23975875). In summary, the currently available evidence indicates that the variant is pathogenic, but additional data are needed to prove that conclusively. Therefore, this variant has been classified as Likely Pathogenic.

Literature cited by the submitters: PubMed 25589632; PubMed 23975875.

NM_001267550.2(TTN):c.99176del (p.Thr33059fs)

Genes: TTN (titin; minus strand), TTN-AS1 (TTN antisense RNA 1; plus strand). Cytogenetic location: 2q31.2.
Variant type: Deletion.
Coding change: c.99176del on transcript NM_001267550.2 (MANE Select); coding-DNA position 99176, one base deleted (C; older notation c.99176delC).
Protein change: p.Thr33059fs; shifts the reading frame from threonine 33059.
Molecular consequence: frameshift variant.
Genome position (GRCh38, 1-based): chr2:178,538,653, G deleted on the plus strand (C on the coding strand, the reverse complement: TTN is on the minus strand). VCF-style (leftmost placement, unchanged base first): chr2-178538652-TG-T. GRCh37 (hg19) VCF-style: chr2-179403379-TG-T.
Other names: c.94253del, p.Thr31418fs (NM_001256850.1); c.71981del, p.Thr23994fs (NM_003319.4); c.91472del, p.Thr30491fs (NM_133378.4); c.72356del, p.Thr24119fs (NM_133432.3); c.72557del, p.Thr24186fs (NM_133437.4); short protein forms T24186fs, T30491fs, T23994fs, T24119fs, T31418fs, T33059fs.
Identifiers: ClinVar variation 4786133 (VCV004786133.1).